The following is an entry in ClinVar:

NM_006019.4(TCIRG1):c.1753G>C (p.Val585Leu)

Gene: TCIRG1 (T cell immune regulator 1, ATPase H+ transporting V0 subunit a3; plus strand). Cytogenetic location: 11q13.2.
Variant type: single nucleotide variant.
Coding change: c.1753G>C on transcript NM_006019.4 (MANE Select); coding-DNA position 1753, G replaced by C.
Protein change: p.Val585Leu; replaces valine 585 with leucine.
Molecular consequence: missense variant.
Genome position (GRCh38, 1-based): chr11:68,049,160, G>C. VCF-style: chr11-68049160-G-C. GRCh37 (hg19) VCF-style: chr11-67816627-G-C.
Other names: c.859G>C, p.Val287Leu (NM_001351059.2); c.1753G>C, p.Val585Leu (NM_001440552.1, NM_001440553.1, NM_001440554.1 and 2 more transcripts); c.1711G>C, p.Val571Leu (NM_001440555.1, NM_001440556.1, NM_001440563.1); c.1540G>C, p.Val514Leu (NM_001440559.1, NM_001440560.1, NM_001440561.1 and 2 more transcripts); c.1498G>C, p.Val500Leu (NM_001440564.1); c.1453G>C, p.Val485Leu (NM_001440565.1); c.1291G>C, p.Val431Leu (NM_001440567.1); c.1285G>C, p.Val429Leu (NM_001440568.1); and 2 more; short protein forms V500L, V265L, V287L, V429L, V431L, V485L, V514L, V571L.
Identifiers: ClinVar variation 4751002 (VCV004751002.1).

ClinVar aggregate classification (germline): Uncertain significance (1 of 4 stars; one submission).

gnomAD v4.1: 5 of 1,613,980 alleles (0.00031%); highest among the groups gnomAD compares: South Asian, 0.0022%; no homozygotes.

Submission:

Labcorp Genetics (formerly Invitae), Labcorp
Classification: Uncertain significance. Last evaluated: 2025-08-16. Review status: criteria provided, single submitter. Criteria: Invitae Variant Classification Sherloc (09022015). Collection method: clinical testing. Allele origin: germline.
Comment: This sequence change replaces valine, which is neutral and non-polar, with leucine, which is neutral and non-polar, at codon 585 of the TCIRG1 protein (p.Val585Leu). This variant is not present in population databases (gnomAD no frequency). This variant has not been reported in the literature in individuals affected with TCIRG1-related conditions. Invitae Evidence Modeling of protein sequence and biophysical properties (such as structural, functional, and spatial information, amino acid conservation, physicochemical variation, residue mobility, and thermodynamic stability) indicates that this missense variant is not expected to disrupt TCIRG1 protein function with a negative predictive value of 80%. In summary, the available evidence is currently insufficient to determine the role of this variant in disease. Therefore, it has been classified as a Variant of Uncertain Significance.